The following is an entry in ClinVar:

NC_000008.11:g.(?_99391557)_(99556653_?)del

Gene: VPS13B (vacuolar protein sorting 13 homolog B; plus strand). Cytogenetic location: 8q22.2.
Variant type: Deletion.
Identifiers: ClinVar variation 831437 (VCV000831437.1).

ClinVar aggregate classification (germline): Pathogenic (1 of 4 stars; one submission).

Conditions:
Cohen syndrome (COH1). Also called: Cutis verticis gyrata, retinitis pigmentosa, and sensorineural deafness; PEPPER SYNDROME. Identifiers: Orphanet 193, MedGen C0265223, MONDO:0008999, OMIM 216550.

Submission:

Labcorp Genetics (formerly Invitae), Labcorp
Classification: Pathogenic for Cohen syndrome. Last evaluated: 2019-08-19. Review status: criteria provided, single submitter. Criteria: Invitae Variant Classification Sherloc (09022015). Collection method: clinical testing. Allele origin: germline.
Comment: This variant is an out-of-frame deletion of the genomic region encompassing exons 21 to 30 of the VPS13B gene. This is expected to create a premature translational stop signal and result in an absent or disrupted protein product. This variant has not been reported in the literature in individuals with VPS13B-related conditions. Loss-of-function variants in VPS13B are known to be pathogenic (PMID: 15141358, 16648375, 20461111). For these reasons, this variant has been classified as Pathogenic.